The following is an entry in ClinVar:

NM_006567.5(FARS2):c.589G>A (p.Val197Met)

Genes: FARS2 (phenylalanyl-tRNA synthetase 2, mitochondrial; plus strand), LOC126859565 (CDK7 strongly-dependent group 2 enhancer GRCh37_chr6:5368745-5369944; plus strand). Cytogenetic location: 6p25.1.
Variant type: single nucleotide variant.
Coding change: c.589G>A on transcript NM_006567.5 (MANE Select); coding-DNA position 589, G replaced by A.
Protein change: p.Val197Met; replaces valine 197 with methionine.
Molecular consequence: missense variant. On other transcripts: intron variant (2).
Genome position (GRCh38, 1-based): chr6:5,369,159, G>A. VCF-style: chr6-5369159-G-A. GRCh37 (hg19) VCF-style: chr6-5369392-G-A.
Other names: c.589G>A, p.Val197Met (NM_001318872.2, NM_001374875.1, NM_001374876.1 and 5 more transcripts); c.-340-27474G>A (NM_001375260.1); c.-84-35383G>A (NM_001375259.1); short protein forms V197M.
Identifiers: ClinVar variation 1517423 (VCV001517423.10), dbSNP rs149605576, ClinGen allele CA3623681.

ClinVar aggregate classification (germline): Conflicting classifications of pathogenicity. Review status: criteria provided, conflicting classifications (1 of 4 stars). 3 submissions from 3 submitters: Pathogenic (2); Uncertain significance (1). Last evaluated 2025-02-10.

Conditions:
Combined oxidative phosphorylation defect type 14. Also called: Combined oxidative phosphorylation deficiency 14. Identifiers: Orphanet 319519, MedGen C4755312, MONDO:0013986, OMIM 614946.
FARS2-related disorder. Also called: FARS2-related condition; FARS2-related disorders.

Allele frequency attached by ClinVar (database versions not stated): gnomAD 0.00002; TOPMed 0.00002; ExAC 0.00003; gnomAD exomes 0.00004; ESP Exome Variant Server 0.00008.
gnomAD v4.1: 27 of 1,608,484 alleles (0.0017%); highest among the groups gnomAD compares: Middle Eastern, 0.049%; no homozygotes.

Submissions (3):

Labcorp Genetics (formerly Invitae), Labcorp
Classification: Pathogenic for Combined oxidative phosphorylation defect type 14. Last evaluated: 2025-02-10. Review status: criteria provided, single submitter. Criteria: Invitae Variant Classification Sherloc (09022015). Collection method: clinical testing. Allele origin: germline.
Comment: This sequence change replaces valine, which is neutral and non-polar, with methionine, which is neutral and non-polar, at codon 197 of the FARS2 protein (p.Val197Met). This variant is present in population databases (rs149605576, gnomAD 0.02%). This missense change has been observed in individual(s) with autosomal recessive FARS2-related conditions (PMID: 29302074, 31329004, 32774346). In at least one individual the data is consistent with being in trans (on the opposite chromosome) from a pathogenic variant. ClinVar contains an entry for this variant (Variation ID: 1517423). Invitae Evidence Modeling of protein sequence and biophysical properties (such as structural, functional, and spatial information, amino acid conservation, physicochemical variation, residue mobility, and thermodynamic stability) indicates that this missense variant is expected to disrupt FARS2 protein function with a positive predictive value of 95%. For these reasons, this variant has been classified as Pathogenic.

Women's Health and Genetics/Laboratory Corporation of America, LabCorp
Classification: Uncertain significance. Last evaluated: 2024-09-19. Review status: criteria provided, single submitter. Criteria: LabCorp Variant Classification Summary - May 2015. Collection method: clinical testing. Allele origin: germline.
Comment: Variant summary: FARS2 c.589G>A (p.Val197Met) results in a conservative amino acid change located in the Phenylalanyl-tRNA synthetase domain (IPR002319) of the encoded protein sequence. Three of five in-silico tools predict a damaging effect of the variant on protein function. The variant allele was found at a frequency of 3.7e-05 in 245688 control chromosomes. c.589G>A has been reported in the literature in homozygous or compound heterozygous individuals affected with FARS2-Related Disorders (Hu_2019, Chen_2019, Hotait_2020). These data indicate that the variant may be associated with disease. To our knowledge, no experimental evidence demonstrating an impact on protein function has been reported. The following publications have been ascertained in the context of this evaluation (PMID: 31329004, 32774346, 29302074, 38166857). ClinVar contains an entry for this variant (Variation ID: 1517423). Based on the evidence outlined above, the variant was classified as VUS-possibly pathogenic.

Blueprint Genetics
Classification: Pathogenic for FARS2-related disorders. Last evaluated: 2019-09-11. Review status: criteria provided, single submitter. Criteria: ACMG Guidelines, 2015. Collection method: clinical testing. Allele origin: germline. Affected: yes. Observed: 1 variant allele.

Literature cited by the submitters: PubMed 29302074 (cited by Labcorp Genetics (formerly Invitae), Labcorp and Women's Health and Genetics/Laboratory Corporation of America, LabCorp); PubMed 31329004 (cited by Labcorp Genetics (formerly Invitae), Labcorp and Women's Health and Genetics/Laboratory Corporation of America, LabCorp); PubMed 32774346 (cited by Labcorp Genetics (formerly Invitae), Labcorp and Women's Health and Genetics/Laboratory Corporation of America, LabCorp); PubMed 38166857 (cited by Women's Health and Genetics/Laboratory Corporation of America, LabCorp).